The following is an entry in ClinVar:

ClinVar aggregate classification (germline): Likely benign (0 of 4 stars; one submission).

Conditions:
FAM234B-related disorder. Also called: FAM234B-related condition.

Allele frequency attached by ClinVar (database versions not stated): gnomAD exomes 0.00015; ExAC 0.00048; gnomAD 0.00139; TOPMed 0.00163; ESP Exome Variant Server 0.00192; 1000 Genomes Project 0.00300; 1000 Genomes Project 30x 0.00312.
gnomAD v4.1: 483 of 1,611,080 alleles (0.03%); highest among the groups gnomAD compares: African/African-American, 0.53%; 3 homozygotes.

Submission:

PreventionGenetics, part of Exact Sciences
Classification: Likely benign for FAM234B-related condition. Last evaluated: 2019-08-13. Review status: no assertion criteria provided. Collection method: clinical testing. Allele origin: germline.
Comment: This variant is classified as likely benign based on ACMG/AMP sequence variant interpretation guidelines (Richards et al. 2015 PMID: 25741868, with internal and published modifications).

NM_020853.2(FAM234B):c.378C>T (p.Pro126=)

Gene: FAM234B (family with sequence similarity 234 member B; plus strand). Cytogenetic location: 12p13.1.
Variant type: single nucleotide variant.
Coding change: c.378C>T on transcript NM_020853.2 (MANE Select); coding-DNA position 378, C replaced by T.
Protein change: p.Pro126=; no amino-acid change (proline 126 retained).
Molecular consequence: synonymous variant.
Genome position (GRCh38, 1-based): chr12:13,055,891, C>T. VCF-style: chr12-13055891-C-T. GRCh37 (hg19) VCF-style: chr12-13208825-C-T.
Identifiers: ClinVar variation 3050693 (VCV003050693.2), dbSNP rs113463896, ClinGen allele CA6459478.
Genomic context (GRCh38, chr12:13,055,891, plus strand): 5'-CTTCCTGCTGACTTTGGGGATCTCGATGATCCTGGTGCTCCTGTGTGCTTTCCTGATCCC[C>T]TGTCCTCCCAGAGATCTGCACAGCACCTGGAGCCGCCACTTGGGCTCCCAGGGAGGTGAG-3'
Protein context (NP_065904.1, residues 116-136): ILVLLCAFLI[Pro126=]CPPRDLHSTW